The following is an entry in ClinVar:

ClinVar aggregate classification (germline): Uncertain significance (1 of 4 stars; one submission).

gnomAD v4.1: 7 of 1,605,008 alleles (0.00044%); no homozygotes.

Submission:

Labcorp Genetics (formerly Invitae), Labcorp
Classification: Uncertain significance. Last evaluated: 2024-12-30. Review status: criteria provided, single submitter. Criteria: Invitae Variant Classification Sherloc (09022015). Collection method: clinical testing. Allele origin: germline.
Comment: This sequence change replaces aspartic acid, which is acidic and polar, with tyrosine, which is neutral and polar, at codon 148 of the SUCO protein (p.Asp148Tyr). The frequency data for this variant in the population databases is considered unreliable, as metrics indicate poor data quality at this position in the gnomAD database. This variant has not been reported in the literature in individuals affected with SUCO-related conditions. An algorithm developed to predict the effect of missense changes on protein structure and function (PolyPhen-2) suggests that this variant is likely to be tolerated. In summary, the available evidence is currently insufficient to determine the role of this variant in disease. Therefore, it has been classified as a Variant of Uncertain Significance.

NM_014283.5(SUCO):c.442G>T (p.Asp148Tyr)

Gene: SUCO (SUN domain containing ossification factor; plus strand). Cytogenetic location: 1q24.3.
Variant type: single nucleotide variant.
Coding change: c.442G>T on transcript NM_014283.5 (MANE Select); coding-DNA position 442, G replaced by T.
Protein change: p.Asp148Tyr; replaces aspartic acid 148 with tyrosine.
Molecular consequence: missense variant. On other transcripts: 5 prime UTR variant (1).
Genome position (GRCh38, 1-based): chr1:172,556,022, G>T. VCF-style: chr1-172556022-G-T. GRCh37 (hg19) VCF-style: chr1-172525162-G-T.
Other names: c.331G>T, p.Asp111Tyr (NM_001282750.2); c.-1088G>T (NM_001282751.2); c.916G>T, p.Asp306Tyr (NM_016227.4); short protein forms D111Y, D148Y, D306Y.
Identifiers: ClinVar variation 3707140 (VCV003707140.2).